The following is an entry in ClinVar:

NM_006363.6(SEC23B):c.1512-10G>T

Gene: SEC23B (SEC23 homolog B, COPII component; plus strand). Cytogenetic location: 20p11.23.
Variant type: single nucleotide variant.
Coding change: c.1512-10G>T on transcript NM_006363.6 (MANE Select); 10 bases into the intron before coding-DNA position 1512, G replaced by T.
Molecular consequence: intron variant.
Genome position (GRCh38, 1-based): chr20:18,543,009, G>T. VCF-style: chr20-18543009-G-T. GRCh37 (hg19) VCF-style: chr20-18523653-G-T.
Other names: c.1512-10G>T (NM_032986.5, NM_001172745.3, NM_032985.6); c.1458-10G>T (NM_001172746.3).
Identifiers: ClinVar variation 707064 (VCV000707064.18), dbSNP rs770601333, ClinGen allele CA9778397.

ClinVar aggregate classification (germline): Conflicting classifications of pathogenicity. Review status: criteria provided, conflicting classifications (1 of 4 stars). 3 submissions from 3 submitters: Uncertain significance (1); Likely benign (1). 1 of the submissions does not count toward it. Last evaluated 2025-10-17.

Conditions:
Congenital dyserythropoietic anemia, type II (CDAN2). Also called: DYSERYTHROPOIETIC ANEMIA, HEMPAS TYPE. Identifiers: Orphanet 98873, MedGen C1306589, MONDO:0009134, OMIM 224100.
Cowden syndrome 7 (CWS7). Identifiers: Orphanet 201, MedGen C4225179, MONDO:0014802, OMIM 616858.
SEC23B-related disorder. Also called: SEC23B-related condition; SEC23B-related disorders.

Allele frequency attached by ClinVar (database versions not stated): gnomAD 0.00002; TOPMed 0.00004; ExAC 0.00005; gnomAD exomes 0.00009.
gnomAD v4.1: 27 of 1,613,946 alleles (0.0017%); highest among the groups gnomAD compares: Admixed American, 0.045%; no homozygotes.

Submissions (3):

Labcorp Genetics (formerly Invitae), Labcorp
Classification: Likely benign for Congenital dyserythropoietic anemia, type II; Cowden syndrome 7. Last evaluated: 2025-10-17. Review status: criteria provided, single submitter. Criteria: Invitae Variant Classification Sherloc (09022015). Collection method: clinical testing. Allele origin: germline.

ARUP Laboratories, Molecular Genetics and Genomics, ARUP Laboratories
Classification: Uncertain significance. Last evaluated: 2019-03-24. Review status: criteria provided, single submitter. Criteria: ARUP Molecular Germline Variant Investigation Process. Collection method: clinical testing. Allele origin: germline.

PreventionGenetics, part of Exact Sciences
Classification: Likely benign for SEC23B-related condition. Last evaluated: 2021-03-19. Review status: no assertion criteria provided. Collection method: clinical testing. Allele origin: germline. Not counted in ClinVar's aggregate classification.
Comment: This variant is classified as likely benign based on ACMG/AMP sequence variant interpretation guidelines (Richards et al. 2015 PMID: 25741868, with internal and published modifications).